The following is an entry in ClinVar:

NM_000421.5(KRT10):c.465C>A (p.Asp155Glu)

Genes: KRT10 (keratin 10; minus strand), KRT10-AS1 (KRT10 antisense RNA 1; plus strand). Cytogenetic location: 17q21.2.
Variant type: single nucleotide variant.
Coding change: c.465C>A on transcript NM_000421.5 (MANE Select); coding-DNA position 465, C replaced by A.
Protein change: p.Asp155Glu; replaces aspartic acid 155 with glutamic acid.
Molecular consequence: missense variant.
Genome position (GRCh38, 1-based): chr17:40,822,121, G>T on the plus strand (C>A on the coding strand, the complement: KRT10 is on the minus strand). VCF-style: chr17-40822121-G-T. GRCh37 (hg19) VCF-style: chr17-38978373-G-T.
Other names: c.465C>A, p.Asp155Glu (NM_001379366.1); short protein forms D155E.
Identifiers: ClinVar variation 2756212 (VCV002756212.3), dbSNP rs781330644, ClinGen allele CA8548286.
Genomic context (GRCh38, chr17:40,822,121, plus strand): 5'-TTCCAGCTCATAGTTTGATTCTTCCAGAGCCCGAACTTTGTCCAAGTAGGAAGCCAGGCG[G>T]TCATTCAGATTCTGCATGGTTACTTTTTCATTTCCAGAGAGAAGGCCACCATCTCCTCCA-3'
Protein context (NP_000412.4, residues 145-165): NEKVTMQNLN[Asp155Glu]RLASYLDKVR

ClinVar aggregate classification (germline): Uncertain significance (1 of 4 stars; one submission).

Allele frequency attached by ClinVar (database versions not stated): gnomAD 0.00001; ExAC 0.00002; gnomAD exomes 0.00002; TOPMed 0.00005.
gnomAD v4.1: 14 of 1,613,926 alleles (0.00087%); highest among the groups gnomAD compares: Admixed American, 0.023%; no homozygotes.

Submission:

Labcorp Genetics (formerly Invitae), Labcorp
Classification: Uncertain significance. Last evaluated: 2023-02-15. Review status: criteria provided, single submitter. Criteria: Invitae Variant Classification Sherloc (09022015). Collection method: clinical testing. Allele origin: germline.
Comment: This sequence change replaces aspartic acid, which is acidic and polar, with glutamic acid, which is acidic and polar, at codon 155 of the KRT10 protein (p.Asp155Glu). This variant is present in population databases (rs781330644, gnomAD 0.04%). This missense change has been observed in individual(s) with bullous congenital ichthyosiform erythroderma (PMID: 10232402). Advanced modeling of protein sequence and biophysical properties (such as structural, functional, and spatial information, amino acid conservation, physicochemical variation, residue mobility, and thermodynamic stability) has been performed at Invitae for this missense variant, however the output from this modeling did not meet the statistical confidence thresholds required to predict the impact of this variant on KRT10 protein function. In summary, the available evidence is currently insufficient to determine the role of this variant in disease. Therefore, it has been classified as a Variant of Uncertain Significance.

Literature cited by the submitters: PubMed 10232402.